The following is an entry in ClinVar:

NM_001379500.1(COL18A1):c.3050_3075del (p.Pro1017fs)

Genes: SLC19A1 (solute carrier family 19 member 1; minus strand), COL18A1 (collagen type XVIII alpha 1 chain; plus strand). Cytogenetic location: 21q22.3.
Variant type: Deletion.
Coding change: c.3050_3075del on transcript NM_001379500.1 (MANE Select); coding-DNA positions 3050 to 3075, 26 bases deleted (CCCCTGGGCCCCCTGGAACCATGGGC).
Protein change: p.Pro1017fs; shifts the reading frame from proline 1017.
Molecular consequence: frameshift variant.
Genome position (GRCh38, 1-based): chr21:45,505,394-45,505,419, CCCCTGGGCCCCCTGGAACCATGGGC deleted; deleting any 26 consecutive bases within chr21:45,505,389-45,505,419 gives the same sequence; the c. name uses the placement nearest the transcript's 3' end. VCF-style (leftmost placement, unchanged base first): chr21-45505388-CTGGGCCCCCTGGGCCCCCTGGAACCA-C. GRCh37 (hg19) VCF-style: chr21-46925302-CTGGGCCCCCTGGGCCCCCTGGAACCA-C.
Other names: c.3581_3606del, p.Pro1194fs (NM_030582.4); c.4286_4311del, p.Pro1429fs (NM_130444.3); short protein forms P1429fs, P1017fs, P1194fs.
Identifiers: ClinVar variation 1459013 (VCV001459013.6), dbSNP rs2146083122, ClinGen allele CA2573157808.

ClinVar aggregate classification (germline): Pathogenic (1 of 4 stars; one submission).

Submission:

Labcorp Genetics (formerly Invitae), Labcorp
Classification: Pathogenic. Last evaluated: 2024-12-09. Review status: criteria provided, single submitter. Criteria: Invitae Variant Classification Sherloc (09022015). Collection method: clinical testing. Allele origin: germline.
Comment: This sequence change creates a premature translational stop signal (p.Pro1014Argfs*61) in the COL18A1 gene. It is expected to result in an absent or disrupted protein product. Loss-of-function variants in COL18A1 are known to be pathogenic (PMID: 12415512, 25456301). This variant is not present in population databases (gnomAD no frequency). This variant has not been reported in the literature in individuals affected with COL18A1-related conditions. ClinVar contains an entry for this variant (Variation ID: 1459013). For these reasons, this variant has been classified as Pathogenic.

Literature cited by the submitters: PubMed 12415512; PubMed 25456301.